The following is an entry in ClinVar:

NM_001128178.3(NPHP1):c.771+19G>A

Gene: NPHP1 (nephrocystin 1; minus strand). Cytogenetic location: 2q13.
Variant type: single nucleotide variant.
Coding change: c.771+19G>A on transcript NM_001128178.3 (MANE Select); 19 bases into the intron after coding-DNA position 771, G replaced by A.
Molecular consequence: intron variant. On other transcripts: missense variant (2).
Genome position (GRCh38, 1-based): chr2:110,164,669, C>T on the plus strand (G>A on the coding strand, the complement: NPHP1 is on the minus strand). VCF-style: chr2-110164669-C-T. GRCh37 (hg19) VCF-style: chr2-110922246-C-T.
Other names: c.790G>A, p.Val264Ile (NM_000272.5, NM_207181.4); c.585+19G>A (NM_001128179.3); c.771+19G>A (NM_001374256.1, NM_001374257.1); short protein forms V264I.
Identifiers: ClinVar variation 1702836 (VCV001702836.2), dbSNP rs780802757, ClinGen allele CA1827279.

ClinVar aggregate classification (germline): Uncertain significance (1 of 4 stars; one submission).

Allele frequency attached by ClinVar (database versions not stated): ExAC 0.00001.
gnomAD v4.1: 9 of 1,613,958 alleles (0.00056%); highest among the groups gnomAD compares: African/African-American, 0.0013%; no homozygotes.

Submission:

GeneDx
Classification: Uncertain significance. Last evaluated: 2022-02-21. Review status: criteria provided, single submitter. Criteria: GeneDx Variant Classification Process June 2021. Collection method: clinical testing. Allele origin: germline. Affected: yes.
Comment: Not observed at significant frequency in large population cohorts (gnomAD); In silico analysis supports that this missense variant does not alter protein structure/function; Has not been previously published as pathogenic or benign to our knowledge